The following is an entry in ClinVar:

NM_000075.4(CDK4):c.819+11T>C

Genes: CDK4 (cyclin dependent kinase 4; minus strand), TSPAN31 (tetraspanin 31; plus strand). Cytogenetic location: 12q14.1.
Variant type: single nucleotide variant.
Coding change: c.819+11T>C on transcript NM_000075.4 (MANE Select); 11 bases into the intron after coding-DNA position 819, T replaced by C.
Molecular consequence: intron variant. On other transcripts: 3 prime UTR variant (3).
Genome position (GRCh38, 1-based): chr12:57,749,171, A>G on the plus strand (T>C on the coding strand, the complement: CDK4 is on the minus strand). VCF-style: chr12-57749171-A-G. GRCh37 (hg19) VCF-style: chr12-58142954-A-G.
Other names: c.*1881A>G (NM_001330168.2, NM_001330169.2, NM_005981.5).
Identifiers: ClinVar variation 517936 (VCV000517936.9), dbSNP rs188641164, ClinGen allele CA6657678.

ClinVar aggregate classification (germline): Likely benign. Review status: criteria provided, multiple submitters, no conflicts (2 of 4 stars). 2 submissions from 2 submitters: Likely benign (2). Last evaluated 2025-11-06.

Conditions:
Familial melanoma. Also called: Hereditary melanoma; Hereditary cutaneous melanoma. Identifiers: Orphanet 618, MedGen C1512419, MONDO:0018961.

Allele frequency attached by ClinVar (database versions not stated): gnomAD exomes below 0.00001 and 0.00002; gnomAD 0.00001; TOPMed 0.00001; ExAC 0.00002; 1000 Genomes Project 30x 0.00016; 1000 Genomes Project 0.00020.
gnomAD v4.1: 3 of 1,613,924 alleles (0.00019%); highest among the groups gnomAD compares: East Asian, 0.0067%; no homozygotes.

Submissions (2):

Labcorp Genetics (formerly Invitae), Labcorp
Classification: Likely benign for Familial melanoma. Last evaluated: 2025-11-06. Review status: criteria provided, single submitter. Criteria: Invitae Variant Classification Sherloc (09022015). Collection method: clinical testing. Allele origin: germline.

GeneDx
Classification: Likely benign. Last evaluated: 2017-06-05. Review status: criteria provided, single submitter. Criteria: GeneDx Variant Classification (06012015). Collection method: clinical testing. Allele origin: germline. Affected: yes.
Comment: This variant is considered likely benign or benign based on one or more of the following criteria: it is a conservative change, it occurs at a poorly conserved position in the protein, it is predicted to be benign by multiple in silico algorithms, and/or has population frequency not consistent with disease.